The following is an entry in ClinVar:

ClinVar aggregate classification (germline): Benign. Review status: criteria provided, single submitter (1 of 4 stars). 2 submissions from 2 submitters: Benign (1). 1 of the submissions does not count toward it.

Allele frequency attached by ClinVar (database versions not stated): gnomAD exomes 0.98562; TOPMed 0.98834; ExAC 0.98983; 1000 Genomes Project 30x 0.99282; gnomAD 0.99326; 1000 Genomes Project 0.99361; ESP Exome Variant Server 0.99875.
gnomAD v4.1: 1,605,295 of 1,610,846 alleles (100%); highest among the groups gnomAD compares: Middle Eastern, 100%; 800,155 homozygotes.

Submissions (2):

Breakthrough Genomics
Classification: Benign. Review status: criteria provided, single submitter. Criteria: ACMG Guidelines, 2015. Collection method: not provided. Allele origin: germline. Inheritance: Autosomal recessive inheritance. Affected: yes.

Genetic Services Laboratory, University of Chicago
Classification: Likely benign for AllHighlyPenetrant. Review status: no assertion criteria provided. Collection method: clinical testing. Allele origin: germline. Inheritance: Autosomal dominant inheritance. Not counted in ClinVar's aggregate classification.
Comment: Likely benign based on allele frequency in 1000 Genomes Project or ESP global frequency and its presence in a patient with a rare or unrelated disease phenotype. NOT Sanger confirmed.

NM_017757.3(ZNF407):c.33T>C (p.Asp11=)

Gene: ZNF407 (zinc finger protein 407; plus strand). Cytogenetic location: 18q22.3.
Variant type: single nucleotide variant.
Coding change: c.33T>C on transcript NM_017757.3 (MANE Select); coding-DNA position 33, T replaced by C.
Protein change: p.Asp11=; no amino-acid change (aspartic acid 11 retained).
Molecular consequence: synonymous variant.
Genome position (GRCh38, 1-based): chr18:74,631,052, T>C. VCF-style: chr18-74631052-T-C. GRCh37 (hg19) VCF-style: chr18-72343008-T-C.
Other names: c.33T>C, p.Asp11= (NM_001146189.1, NM_001146190.1, NM_001384475.1).
Identifiers: ClinVar variation 130821 (VCV000130821.7), dbSNP rs7243081, ClinGen allele CA156123.
Genomic context (GRCh38, chr18:74,631,052, plus strand): 5'-AGATAGAAGCATCGTCAGCACTTTATTAATGATGGATAGTGAGAATAAACCCGAAAATGA[T>C]GAGGATGAAAAGATAAACAAAGAAGCACAAGACTTGACAAAGCTTTCATCCCATAATGAA-3'
Protein context (NP_060227.2, residues 1-21): MMDSENKPEN[Asp11=]EDEKINKEAQ